The following is an entry in ClinVar:

NM_001035.3(RYR2):c.322G>A (p.Gly108Ser)

Gene: RYR2 (ryanodine receptor 2; plus strand). Cytogenetic location: 1q43.
Variant type: single nucleotide variant.
Coding change: c.322G>A on transcript NM_001035.3 (MANE Select); coding-DNA position 322, G replaced by A.
Protein change: p.Gly108Ser; replaces glycine 108 with serine.
Molecular consequence: missense variant.
Genome position (GRCh38, 1-based): chr1:237,369,546, G>A. VCF-style: chr1-237369546-G-A. GRCh37 (hg19) VCF-style: chr1-237532846-G-A.
Other names: c.322G>A, p.Gly108Ser (LRG_402t1); short protein forms G108S.
Identifiers: ClinVar variation 463594 (VCV000463594.22), dbSNP rs1431073529, ClinGen allele CA345654935.

ClinVar aggregate classification (germline): Uncertain significance. Review status: criteria provided, multiple submitters, no conflicts (2 of 4 stars). 6 submissions from 6 submitters: Uncertain significance (6). Last evaluated 2025-07-14.

Conditions:
Cardiovascular phenotype. Identifiers: MedGen CN230736.
Catecholaminergic polymorphic ventricular tachycardia (CVPT). Also called: Catecholamine-induced polymorphic ventricular tachycardia. Identifiers: Orphanet 3286, MedGen C5574922, MONDO:0017990.
Cardiomyopathy (CMYO). Also called: Cardiomyopathies. Identifiers: Orphanet 167848, MedGen C0878544, MONDO:0004994, HP:0001638. Inheritance: Various modes of inheritance.
Catecholaminergic polymorphic ventricular tachycardia 1. Also called: VENTRICULAR TACHYCARDIA, STRESS-INDUCED POLYMORPHIC 1; VENTRICULAR TACHYCARDIA, CATECHOLAMINERGIC POLYMORPHIC, 1, WITH OR WITHOUT ATRIAL DYSFUNCTION AND/OR DILATED CARDIOMYOPATHY; RYR2-Related Catecholaminergic Polymorphic Ventricular Tachycardia. Identifiers: Orphanet 3286, MedGen C1631597, MONDO:0011484, OMIM 604772.

Allele frequency attached by ClinVar (database versions not stated): gnomAD exomes 0.00002; TOPMed 0.00003.
gnomAD v4.1: 21 of 1,562,858 alleles (0.0013%); highest among the groups gnomAD compares: Middle Eastern, 0.017%; no homozygotes.

Submissions (6):

Labcorp Genetics (formerly Invitae), Labcorp
Classification: Uncertain significance for Catecholaminergic polymorphic ventricular tachycardia 1. Last evaluated: 2025-07-14. Review status: criteria provided, single submitter. Criteria: Invitae Variant Classification Sherloc (09022015). Collection method: clinical testing. Allele origin: germline.
Comment: This sequence change replaces glycine, which is neutral and non-polar, with serine, which is neutral and polar, at codon 108 of the RYR2 protein (p.Gly108Ser). The frequency data for this variant in the population databases is considered unreliable, as metrics indicate poor data quality at this position in the gnomAD database. This variant has not been reported in the literature in individuals affected with RYR2-related conditions. ClinVar contains an entry for this variant (Variation ID: 463594). An algorithm developed to predict the effect of missense changes on protein structure and function outputs the following: PolyPhen-2: "Possibly Damaging". The serine amino acid residue is found in multiple mammalian species, which suggests that this missense change does not adversely affect protein function. In summary, the available evidence is currently insufficient to determine the role of this variant in disease. Therefore, it has been classified as a Variant of Uncertain Significance.

Women's Health and Genetics/Laboratory Corporation of America, LabCorp
Classification: Uncertain significance. Last evaluated: 2024-11-18. Review status: criteria provided, single submitter. Criteria: LabCorp Variant Classification Summary - May 2015. Collection method: clinical testing. Allele origin: germline.
Comment: Variant summary: RYR2 c.322G>A (p.Gly108Ser) results in a non-conservative amino acid change in the encoded protein sequence. Four of four in-silico tools predict a damaging effect of the variant on protein function. The variant allele was found at a frequency of 2.3e-05 in 176116 control chromosomes. The available data on variant occurrences in the general population are insufficient to allow any conclusion about variant significance. c.322G>A has been reported in the literature in at-least one individual affected withdilated cardiomyopathy, however this individual also had a co-occurrence in TTN gene (c.81341dup) (Kolokotronis_2020). These report(s) do not provide unequivocal conclusions about association of the variant with Catecholaminergic Polymorphic Ventricular Tachycardia. To our knowledge, no experimental evidence demonstrating an impact on protein function has been reported. The following publication has been ascertained in the context of this evaluation (PMID: 32659924). ClinVar contains an entry for this variant (Variation ID: 463594). Based on the evidence outlined above, the variant was classified as uncertain significance.

All of Us Research Program, National Institutes of Health
Classification: Uncertain significance for Catecholaminergic polymorphic ventricular tachycardia. Last evaluated: 2023-12-01. Review status: criteria provided, single submitter. Criteria: ACMG Guidelines, 2015. Collection method: clinical testing. Allele origin: germline. Inheritance: Autosomal dominant inheritance. Observed: 4 variant alleles, 4 heterozygotes.
Comment: This missense variant replaces glycine with serine at codon 108 of the RYR2 protein. Computational prediction suggests that this variant may have deleterious impact on protein structure and function (internally defined REVEL score threshold >= 0.7, PMID: 27666373). To our knowledge, functional studies have not been reported for this variant. This variant has been reported in an individual affected with dilated cardiomyopathy and arrhythmia, who also carried a truncating variant in the TTN gene (PMID: 32659924). This variant has been identified in 4/176116 chromosomes in the general population by the Genome Aggregation Database (gnomAD). The available evidence is insufficient to determine the role of this variant in disease conclusively. Therefore, this variant is classified as a Variant of Uncertain Significance.

This study involves interpretation of variants in research participants for the purpose of population health screening. Participant phenotype was not available at the time of variant classification. Additional details can be found in publication PMID: 35346344, PMCID: PMC8962531

Color Diagnostics, LLC DBA Color Health
Classification: Uncertain significance for Cardiomyopathy. Last evaluated: 2023-08-09. Review status: criteria provided, single submitter. Criteria: ACMG Guidelines, 2015. Collection method: clinical testing. Allele origin: germline.
Comment: This missense variant replaces glycine with serine at codon 108 of the RYR2 protein. Computational prediction suggests that this variant may have deleterious impact on protein structure and function (internally defined REVEL score threshold >= 0.7, PMID: 27666373). To our knowledge, functional studies have not been reported for this variant. This variant has been reported in an individual affected with dilated cardiomyopathy and arrhythmia, who also carried a truncating variant in the TTN gene (PMID: 32659924). This variant has been identified in 4/176116 chromosomes in the general population by the Genome Aggregation Database (gnomAD). The available evidence is insufficient to determine the role of this variant in disease conclusively. Therefore, this variant is classified as a Variant of Uncertain Significance.

Ambry Genetics
Classification: Uncertain significance for Cardiovascular phenotype. Last evaluated: 2023-05-12. Review status: criteria provided, single submitter. Criteria: Ambry Variant Classification Scheme 2023. Collection method: clinical testing. Allele origin: germline.
Comment: The p.G108S variant (also known as c.322G>A), located in coding exon 6 of the RYR2 gene, results from a G to A substitution at nucleotide position 322. The glycine at codon 108 is replaced by serine, an amino acid with similar properties. This amino acid position is well conserved in available vertebrate species. In addition, the in silico prediction for this alteration is inconclusive. Since supporting evidence is limited at this time, the clinical significance of this alteration remains unclear.

GeneDx
Classification: Uncertain significance. Last evaluated: 2019-12-10. Review status: criteria provided, single submitter. Criteria: GeneDx Variant Classification Process June 2021. Collection method: clinical testing. Allele origin: germline. Affected: yes.
Comment: Has not been previously published as pathogenic or benign to our knowledge; Reported in ClinVar as a variant of uncertain significance by another clinical laboratory (ClinVar Variant ID#463594; Landrum et al., 2016); Not observed at a significant frequency in large population cohorts (Lek et al., 2016); In silico analysis, which includes splice predictors and evolutionary conservation, suggests this variant may impact gene splicing. In the absence of RNA/functional studies, the actual effect of this sequence change is unknown.; In silico analysis, which includes protein predictors and evolutionary conservation, supports a deleterious effect; Located in one of the three hot-spot regions of the RYR2 gene, where the majority of pathogenic missense variants occur (Medeiros-Domingo et al., 2009)

Literature cited by the submitters: PubMed 32659924 (cited by 3 submitters).